The following is an entry in ClinVar:

NM_000384.3(APOB):c.5976C>A (p.Tyr1992Ter)

Gene: APOB (apolipoprotein B; minus strand). Cytogenetic location: 2p24.1.
Variant type: single nucleotide variant.
Coding change: c.5976C>A on transcript NM_000384.3 (MANE Select); coding-DNA position 5976, C replaced by A.
Protein change: p.Tyr1992Ter; replaces tyrosine 1992 with a stop codon.
Molecular consequence: nonsense.
Genome position (GRCh38, 1-based): chr2:21,010,892, G>T on the plus strand (C>A on the coding strand, the complement: APOB is on the minus strand). VCF-style: chr2-21010892-G-T. GRCh37 (hg19) VCF-style: chr2-21233764-G-T.
Other names: short protein forms Y1992*.
Identifiers: ClinVar variation 2929773 (VCV002929773.3), dbSNP rs1663296303, ClinGen allele CA346003570.

ClinVar aggregate classification (germline): Pathogenic (1 of 4 stars; one submission).

Conditions:
Hypercholesterolemia, autosomal dominant, type B (FHCL2). Also called: APOB-Related Familial Hypercholesterolemia, Autosomal Dominant; Familial Hypercholesterolemia Type B; APOLIPOPROTEIN B-100, FAMILIAL DEFECTIVE; APOLIPOPROTEIN B-100, FAMILIAL LIGAND-DEFECTIVE; HYPERCHOLESTEROLEMIA, FAMILIAL, DUE TO LIGAND-DEFECTIVE APOLIPOPROTEIN B; Hyperlipoproteinemia Type IIb. Identifiers: MedGen C1704417, MONDO:0007751, OMIM 144010.
Familial hypobetalipoproteinemia 1. Also called: Hypobetalipoproteinemia, normotriglyceridemic; Acanthocytosis with hypobetalipoproteinemia; APOB-Related Familial Hypobetalipoproteinemia. Identifiers: MedGen C4551990, MONDO:0014252, OMIM 615558.

Allele frequency attached by ClinVar (database versions not stated): gnomAD exomes below 0.00001; TOPMed below 0.00001; gnomAD 0.00001.
gnomAD v4.1: 3 of 1,613,994 alleles (0.00019%); highest among the groups gnomAD compares: African/African-American, 0.0013%; no homozygotes.

Submission:

Labcorp Genetics (formerly Invitae), Labcorp
Classification: Pathogenic for Familial hypobetalipoproteinemia 1; Hypercholesterolemia, autosomal dominant, type B. Last evaluated: 2024-01-02. Review status: criteria provided, single submitter. Criteria: Invitae Variant Classification Sherloc (09022015). Collection method: clinical testing. Allele origin: germline.
Comment: This sequence change creates a premature translational stop signal (p.Tyr1992*) in the APOB gene. It is expected to result in an absent or disrupted protein product. Loss-of-function variants in APOB are known to be pathogenic (PMID: 20032471). This variant is not present in population databases (gnomAD no frequency). This variant has not been reported in the literature in individuals affected with APOB-related conditions. For these reasons, this variant has been classified as Pathogenic.

Literature cited by the submitters: PubMed 20032471.